The following is an entry in ClinVar:

NM_001042492.3(NF1):c.5013_5017dup (p.Asn1673fs)

Gene: NF1 (neurofibromin 1; plus strand). Cytogenetic location: 17q11.2.
Variant type: Duplication.
Coding change: c.5013_5017dup on transcript NM_001042492.3 (MANE Select); coding-DNA positions 5013 to 5017, 5 bases duplicated (CGACA; older notation c.5013_5017dupCGACA).
Protein change: p.Asn1673fs; shifts the reading frame from asparagine 1673.
Molecular consequence: frameshift variant.
Genome position (GRCh38, 1-based): chr17:31,325,997-31,326,001, CGACA duplicated; duplicating any 5 consecutive bases within chr17:31,325,996-31,326,001 gives the same sequence; the c. name uses the placement nearest the transcript's 3' end. VCF-style (leftmost placement, unchanged base first): chr17-31325995-T-TACGAC. GRCh37 (hg19) VCF-style: chr17-29653013-T-TACGAC.
Other names: c.4950_4954dupCGACA (NM_000267.3); c.4950_4954dup, p.Asn1652Thrfs (NM_000267.4); short protein forms N1652fs, N1673fs.
Identifiers: ClinVar variation 457734 (VCV000457734.5), dbSNP rs1555533336, ClinGen allele CA658658546.
Genomic context (GRCh38, chr17:31,325,995, plus strand): 5'-AGCAATCGCTTTAAAACAGACTTTCTCTCTAAGTGGTTTGTTGTTTTTCCTGGCTTTGCT[T>TACGAC]ACGACAACGTCTCCGCAGTCTATATCTATAACTGTAACTCCTGGGTCAGGGAGTACACCA-3'

ClinVar aggregate classification (germline): Pathogenic (1 of 4 stars; one submission).

Conditions:
Neurofibromatosis, type 1 (NF1). Also called: VON RECKLINGHAUSEN DISEASE; NEUROFIBROMATOSIS, TYPE I, SOMATIC; Peripheral type neurofibromatosis; Neurofibromatosis, type I. Identifiers: Orphanet 636, MedGen C0027831, MONDO:0018975, OMIM 162200. Disease mechanism: loss of function.

Submission:

Labcorp Genetics (formerly Invitae), Labcorp
Classification: Pathogenic for Neurofibromatosis, type 1. Last evaluated: 2017-04-20. Review status: criteria provided, single submitter. Criteria: Invitae Variant Classification Sherloc (09022015). Collection method: clinical testing. Allele origin: germline.
Comment: This sequence change duplicates 5 nucleotides in exon 36 of the NF1 mRNA (c.4950_4954dupCGACA), causing a frameshift at codon 1652. This creates a premature translational stop signal (p.Asn1652Thrfs*27) and is expected to result in an absent or disrupted protein product. While this particular variant has not been reported in the literature, loss-of-function variants in NF1 are known to be pathogenic (PMID: 10712197, 23913538). For these reasons, this variant has been classified as Pathogenic.

Literature cited by the submitters: PubMed 10712197; PubMed 23913538.